The following is an entry in ClinVar:

NM_198578.4(LRRK2):c.2167A>G (p.Ile723Val)

Gene: LRRK2 (leucine rich repeat kinase 2; plus strand). Cytogenetic location: 12q12.
Variant type: single nucleotide variant.
Coding change: c.2167A>G on transcript NM_198578.4 (MANE Select); coding-DNA position 2167, A replaced by G.
Protein change: p.Ile723Val; replaces isoleucine 723 with valine.
Molecular consequence: missense variant.
Genome position (GRCh38, 1-based): chr12:40,278,187, A>G. VCF-style: chr12-40278187-A-G. GRCh37 (hg19) VCF-style: chr12-40671989-A-G.
Other names: short protein forms I723V.
Identifiers: ClinVar variation 39146 (VCV000039146.18), dbSNP rs10878307, ClinGen allele CA343503.

ClinVar aggregate classification (germline): Benign. Review status: criteria provided, multiple submitters, no conflicts (2 of 4 stars). 6 submissions from 6 submitters: Benign (5). 1 of the submissions does not count toward it. Last evaluated 2026-02-04.

Conditions:
Autosomal dominant Parkinson disease 8. Also called: Parkinson disease 8, susceptibility to; LRRK2-Related Parkinson Disease; Parkinson disease 8. Identifiers: Orphanet 411602, MedGen C1846862, MONDO:0011764, OMIM 607060.

Allele frequency attached by ClinVar (database versions not stated): ESP Exome Variant Server 0.05182; gnomAD exomes 0.05848; ExAC 0.05922; gnomAD 0.04841 and 0.04677; 1000 Genomes Project 30x 0.04076; TOPMed 0.04794; 1000 Genomes Project 0.04034.
gnomAD v4.1: 104,014 of 1,614,076 alleles (6.4%); highest among the groups gnomAD compares: Middle Eastern, 14%; 3,947 homozygotes.

Submissions (6):

Labcorp Genetics (formerly Invitae), Labcorp
Classification: Benign for Autosomal dominant Parkinson disease 8. Last evaluated: 2026-02-04. Review status: criteria provided, single submitter. Criteria: Invitae Variant Classification Sherloc (09022015). Collection method: clinical testing. Allele origin: germline.

Mayo Clinic Laboratories, Mayo Clinic
Classification: Benign. Last evaluated: 2022-03-24. Review status: criteria provided, single submitter. Criteria: ACMG Guidelines, 2015. Collection method: clinical testing. Allele origin: germline. Observed: 88 variant alleles.

GeneDx
Classification: Benign. Last evaluated: 2018-08-25. Review status: criteria provided, single submitter. Criteria: GeneDx Variant Classification Process June 2021. Collection method: clinical testing. Allele origin: germline. Affected: yes.

Illumina Laboratory Services, Illumina
Classification: Benign for Autosomal dominant Parkinson disease 8. Last evaluated: 2018-01-12. Review status: criteria provided, single submitter. Criteria: ICSL Variant Classification Criteria 13 December 2019. Collection method: clinical testing. Allele origin: germline.
Comment: This variant was observed in the ICSL laboratory as part of a predisposition screen in an ostensibly healthy population. It had not been previously curated by ICSL or reported in the Human Gene Mutation Database (HGMD: prior to June 1st, 2018), and was therefore a candidate for classification through an automated scoring system. Utilizing variant allele frequency, disease prevalence and penetrance estimates, and inheritance mode, an automated score was calculated to assess if this variant is too frequent to cause the disease. Based on the score and internal cut-off values, a variant classified as benign is not then subjected to further curation. The score for this variant resulted in a classification of benign for this disease.

Breakthrough Genomics
Classification: Benign. Review status: criteria provided, single submitter. Criteria: ACMG Guidelines, 2015. Collection method: not provided. Allele origin: germline. Inheritance: Autosomal dominant inheritance. Affected: yes.

GeneReviews
No classification provided. Condition: Autosomal dominant Parkinson disease 8. Review status: no classification provided. Collection method: literature only. Allele origin: unknown. Not counted in ClinVar's aggregate classification.

Literature cited by the submitters: PubMed 20301387 (cited by GeneReviews); NCBI Bookshelf NBK1208 (cited by GeneReviews).